The following is an entry in ClinVar:

NM_015278.5(SASH1):c.2631G>A (p.Thr877=)

Gene: SASH1 (SAM and SH3 domain containing 1; plus strand). Cytogenetic location: 6q25.1.
Variant type: single nucleotide variant.
Coding change: c.2631G>A on transcript NM_015278.5 (MANE Select); coding-DNA position 2631, G replaced by A.
Protein change: p.Thr877=; no amino-acid change (threonine 877 retained).
Molecular consequence: synonymous variant.
Genome position (GRCh38, 1-based): chr6:148,544,101, G>A. VCF-style: chr6-148544101-G-A. GRCh37 (hg19) VCF-style: chr6-148865237-G-A.
Other names: c.2259G>A, p.Thr753= (NM_001346506.2); c.1914G>A, p.Thr638= (NM_001346507.2); c.2403G>A, p.Thr801= (NM_001346508.2); c.2280G>A, p.Thr760= (NM_001346509.2); c.2496G>A, p.Thr832= (NM_001346505.2).
Identifiers: ClinVar variation 3034266 (VCV003034266.2), dbSNP rs374374360, ClinGen allele CA4040638.
Genomic context (GRCh38, chr6:148,544,101, plus strand): 5'-GACAGAACCGCCCCCTCAGATTGTACCTGAAGTGCCACAGAAGACGACCGCCTCTTCCAC[G>A]AAGGCCCAGCCCCTGGAGCAAGACTCTGCTGTCGACAATGCATTGCTACTGACCCAAAGC-3'
Protein context (NP_056093.3, residues 867-887): EVPQKTTASS[Thr877=]KAQPLEQDSA

ClinVar aggregate classification (germline): Likely benign (0 of 4 stars; one submission).

Conditions:
SASH1-related disorder. Also called: SASH1-related condition.

Allele frequency attached by ClinVar (database versions not stated): gnomAD 0.00004; TOPMed 0.00006; ESP Exome Variant Server 0.00008.
gnomAD v4.1: 68 of 1,613,908 alleles (0.0042%); highest among the groups gnomAD compares: Middle Eastern, 0.016%; no homozygotes.

Submission:

PreventionGenetics, part of Exact Sciences
Classification: Likely benign for SASH1-related condition. Last evaluated: 2019-06-12. Review status: no assertion criteria provided. Collection method: clinical testing. Allele origin: germline.
Comment: This variant is classified as likely benign based on ACMG/AMP sequence variant interpretation guidelines (Richards et al. 2015 PMID: 25741868, with internal and published modifications).